The following is an entry in ClinVar:

ClinVar aggregate classification (germline): Uncertain significance (1 of 4 stars; one submission).

Allele frequency attached by ClinVar (database versions not stated): gnomAD exomes below 0.00001; TOPMed 0.00002.
gnomAD v4.1: 3 of 1,614,196 alleles (0.00019%); highest among the groups gnomAD compares: Admixed American, 0.0033%; no homozygotes.

Submission:

Labcorp Genetics (formerly Invitae), Labcorp
Classification: Uncertain significance. Last evaluated: 2022-09-16. Review status: criteria provided, single submitter. Criteria: Invitae Variant Classification Sherloc (09022015). Collection method: clinical testing. Allele origin: germline.
Comment: In summary, the available evidence is currently insufficient to determine the role of this variant in disease. Therefore, it has been classified as a Variant of Uncertain Significance. Algorithms developed to predict the effect of missense changes on protein structure and function output the following: SIFT: "Deleterious"; PolyPhen-2: "Benign"; Align-GVGD: "Class C15". The serine amino acid residue is found in multiple mammalian species, which suggests that this missense change does not adversely affect protein function. This variant has not been reported in the literature in individuals affected with HMCN1-related conditions. This variant is not present in population databases (gnomAD no frequency). This sequence change replaces asparagine, which is neutral and polar, with serine, which is neutral and polar, at codon 3727 of the HMCN1 protein (p.Asn3727Ser).

NM_031935.3(HMCN1):c.11180A>G (p.Asn3727Ser)

Gene: HMCN1 (hemicentin 1; plus strand). Cytogenetic location: 1q31.1.
Variant type: single nucleotide variant.
Coding change: c.11180A>G on transcript NM_031935.3 (MANE Select); coding-DNA position 11180, A replaced by G.
Protein change: p.Asn3727Ser; replaces asparagine 3727 with serine.
Molecular consequence: missense variant.
Genome position (GRCh38, 1-based): chr1:186,114,027, A>G. VCF-style: chr1-186114027-A-G. GRCh37 (hg19) VCF-style: chr1-186083159-A-G.
Other names: short protein forms N3727S.
Identifiers: ClinVar variation 1977151 (VCV001977151.5), dbSNP rs1007619979, ClinGen allele CA33504094.
Genomic context (GRCh38, chr1:186,114,027, plus strand): 5'-TCTCTTGTTCAGTTCCTCCAAACATAAAGGGGGGCCCCCAGAGCCTTGTAATTCTTTTAA[A>G]TAAGTCAACTGTATTGGAATGCATCGCTGAAGGTGTGCCAACTCCAAGGATAACATGGAG-3'
Protein context (NP_114141.2, residues 3717-3737): GGPQSLVILL[Asn3727Ser]KSTVLECIAE